The following is an entry in ClinVar:

ClinVar aggregate classification (germline): Uncertain significance (1 of 4 stars; one submission).

Conditions:
Rubinstein-Taybi syndrome (RSTS). Identifiers: Orphanet 783, MedGen C0035934, MONDO:0019188.

Submission:

Labcorp Genetics (formerly Invitae), Labcorp
Classification: Uncertain significance for Rubinstein-Taybi syndrome. Last evaluated: 2023-11-27. Review status: criteria provided, single submitter. Criteria: Invitae Variant Classification Sherloc (09022015). Collection method: clinical testing. Allele origin: germline.
Comment: This sequence change replaces glycine, which is neutral and non-polar, with cysteine, which is neutral and slightly polar, at codon 1542 of the CREBBP protein (p.Gly1542Cys). This variant is not present in population databases (gnomAD no frequency). This variant has not been reported in the literature in individuals affected with CREBBP-related conditions. Advanced modeling of protein sequence and biophysical properties (such as structural, functional, and spatial information, amino acid conservation, physicochemical variation, residue mobility, and thermodynamic stability) performed at Invitae indicates that this missense variant is expected to disrupt CREBBP protein function with a positive predictive value of 95%. In summary, the available evidence is currently insufficient to determine the role of this variant in disease. Therefore, it has been classified as a Variant of Uncertain Significance.

NM_004380.3(CREBBP):c.4624G>T (p.Gly1542Cys)

Gene: CREBBP (CREB binding lysine acetyltransferase; minus strand). Cytogenetic location: 16p13.3.
Variant type: single nucleotide variant.
Coding change: c.4624G>T on transcript NM_004380.3 (MANE Select); coding-DNA position 4624, G replaced by T.
Protein change: p.Gly1542Cys; replaces glycine 1542 with cysteine.
Molecular consequence: missense variant.
Genome position (GRCh38, 1-based): chr16:3,736,140, C>A on the plus strand (G>T on the coding strand, the complement: CREBBP is on the minus strand). VCF-style: chr16-3736140-C-A. GRCh37 (hg19) VCF-style: chr16-3786141-C-A.
Other names: c.4510G>T, p.Gly1504Cys (NM_001079846.1); short protein forms G1504C, G1542C.
Identifiers: ClinVar variation 2697275 (VCV002697275.3), dbSNP rs2548362057, ClinGen allele CA394562617.